The following is an entry in ClinVar:

NM_015662.3(IFT172):c.4470C>G (p.Ser1490Arg)

Gene: IFT172 (intraflagellar transport 172; minus strand). Cytogenetic location: 2p23.3.
Variant type: single nucleotide variant.
Coding change: c.4470C>G on transcript NM_015662.3 (MANE Select); coding-DNA position 4470, C replaced by G.
Protein change: p.Ser1490Arg; replaces serine 1490 with arginine.
Molecular consequence: missense variant.
Genome position (GRCh38, 1-based): chr2:27,447,881, G>C on the plus strand (C>G on the coding strand, the complement: IFT172 is on the minus strand). VCF-style: chr2-27447881-G-C. GRCh37 (hg19) VCF-style: chr2-27670748-G-C.
Other names: c.4404C>G, p.Ser1468Arg (NM_001410739.1); short protein forms S1468R, S1490R.
Identifiers: ClinVar variation 3355290 (VCV003355290.1).
Genomic context (GRCh38, chr2:27,447,881, plus strand): 5'-GAGGACATCTCGAAGATCAGCCCAGCTATGATAGGCCTCGGCACAGTTGGTTCCAGGAGA[G>C]CTCACCATGTCAGTGAAGATCCTTTTGTAGATATTGAAGTTCTAGAGGTAGAGGGAAGAA-3'
Protein context (NP_056477.1, residues 1480-1500): IYKRIFTDMV[Ser1490Arg]SPGTNCAEAY

ClinVar aggregate classification (germline): Uncertain significance (0 of 4 stars; one submission).

Conditions:
IFT172-related disorder. Also called: IFT172-related disorders; IFT172-related condition.

gnomAD v4.1: 1 of 1,613,304 alleles (0.000062%); highest among the groups gnomAD compares: African/African-American, 0.0013%; no homozygotes.

Submission:

PreventionGenetics, part of Exact Sciences
Classification: Uncertain significance for IFT172-related condition. Last evaluated: 2023-12-20. Review status: no assertion criteria provided. Collection method: clinical testing. Allele origin: germline.
Comment: The IFT172 c.4470C>G variant is predicted to result in the amino acid substitution p.Ser1490Arg. To our knowledge, this variant has not been reported in the literature or in a large population database, indicating this variant is rare. At this time, the clinical significance of this variant is uncertain due to the absence of conclusive functional and genetic evidence.